The following is an entry in ClinVar:

ClinVar aggregate classification (germline): Uncertain significance (1 of 4 stars; one submission).

Conditions:
Multiple sulfatase deficiency (MSD). Also called: Mucosulfatidosis; Multiple Sulfatase Deficiency Disease; Sulfatidosis, Juvenile, Austin Type. Identifiers: Orphanet 585, MedGen C0268263, MONDO:0010088, OMIM 272200.

gnomAD v4.1: 1 of 1,610,686 alleles (0.000062%); highest among the groups gnomAD compares: East Asian, 0.0022%; no homozygotes.

Submission:

Labcorp Genetics (formerly Invitae), Labcorp
Classification: Uncertain significance for Multiple sulfatase deficiency. Last evaluated: 2023-10-20. Review status: criteria provided, single submitter. Criteria: Invitae Variant Classification Sherloc (09022015). Collection method: clinical testing. Allele origin: germline.
Comment: This sequence change replaces valine, which is neutral and non-polar, with leucine, which is neutral and non-polar, at codon 19 of the SUMF1 protein (p.Val19Leu). This variant is not present in population databases (gnomAD no frequency). This variant has not been reported in the literature in individuals affected with SUMF1-related conditions. Advanced modeling of protein sequence and biophysical properties (such as structural, functional, and spatial information, amino acid conservation, physicochemical variation, residue mobility, and thermodynamic stability) has been performed at Invitae for this missense variant, however the output from this modeling did not meet the statistical confidence thresholds required to predict the impact of this variant on SUMF1 protein function. In summary, the available evidence is currently insufficient to determine the role of this variant in disease. Therefore, it has been classified as a Variant of Uncertain Significance.

NM_182760.4(SUMF1):c.55G>C (p.Val19Leu)

Gene: SUMF1 (sulfatase modifying factor 1; minus strand). Cytogenetic location: 3p26.1.
Variant type: single nucleotide variant.
Coding change: c.55G>C on transcript NM_182760.4 (MANE Select); coding-DNA position 55, G replaced by C.
Protein change: p.Val19Leu; replaces valine 19 with leucine.
Molecular consequence: missense variant.
Genome position (GRCh38, 1-based): chr3:4,467,191, C>G on the plus strand (G>C on the coding strand, the complement: SUMF1 is on the minus strand). VCF-style: chr3-4467191-C-G. GRCh37 (hg19) VCF-style: chr3-4508875-C-G.
Other names: c.55G>C, p.Val19Leu (NM_001164674.2, NM_001164675.2); short protein forms V19L.
Identifiers: ClinVar variation 2770353 (VCV002770353.3), dbSNP rs751395185, ClinGen allele CA351794655.